The following is an entry in ClinVar:

NM_005188.4(CBL):c.1150T>C (p.Cys384Arg)

Gene: CBL (Cbl proto-oncogene; plus strand). Cytogenetic location: 11q23.3.
Variant type: single nucleotide variant.
Coding change: c.1150T>C on transcript NM_005188.4 (MANE Select); coding-DNA position 1150, T replaced by C.
Protein change: p.Cys384Arg; replaces cysteine 384 with arginine.
Molecular consequence: missense variant.
Genome position (GRCh38, 1-based): chr11:119,278,220, T>C. VCF-style: chr11-119278220-T-C. GRCh37 (hg19) VCF-style: chr11-119148930-T-C.
Other names: short protein forms C384R.
Identifiers: ClinVar variation 29822 (VCV000029822.12), dbSNP rs387906664, ClinGen allele CA128665.

ClinVar aggregate classification (germline): Conflicting classifications of pathogenicity. Review status: criteria provided, conflicting classifications (1 of 4 stars). 4 submissions from 4 submitters: Pathogenic (1); Likely pathogenic (1); Uncertain significance (1). 1 of the submissions does not count toward it. Last evaluated 2026-09-11.

Conditions:
CBL-related disorder. Also called: CBL MUTATION-ASSOCIATED SYNDROME; CBL SYNDROME; NOONAN SYNDROME-LIKE DISORDER WITHOUT JUVENILE MYELOMONOCYTIC LEUKEMIA. Identifiers: Orphanet 363972, MedGen C3150803, MONDO:0013308, OMIM 613563.
RASopathy. Also called: rasopathies; Noonan spectrum disorder. Identifiers: Orphanet 536391, MedGen C5555857, MONDO:0021060.
Noonan syndrome-like disorder with juvenile myelomonocytic leukemia. Identifiers: MedGen C4016301.

gnomAD v4.1: 1 of 1,611,960 alleles (0.000062%); highest among the groups gnomAD compares: Non-Finnish European, 0.000085%; no homozygotes.

Submissions (4):

GeneDx
Classification: Pathogenic. Last evaluated: 2026-09-11. Review status: criteria provided, single submitter. Criteria: GeneDx Variant Classification Process June 2021. Collection method: clinical testing. Allele origin: germline.
Comment: Published functional studies demonstrated p.C384R damages the capacity of the polyubiquitylation of pEGFR (PMID: 20694012); In silico analysis supports that this missense variant has a deleterious effect on protein structure/function; Not observed at significant frequency in large population cohorts (gnomAD); This variant is associated with the following publications: (PMID: 19571318, 24803665, 20619386, 20694012, 23696637, 20644105, 38777570, 22315494, 39513224, 22733026)

Labcorp Genetics (formerly Invitae), Labcorp
Classification: Uncertain significance for RASopathy. Last evaluated: 2023-06-03. Review status: criteria provided, single submitter. Criteria: Invitae Variant Classification Sherloc (09022015). Collection method: clinical testing. Allele origin: germline.
Comment: This sequence change replaces cysteine, which is neutral and slightly polar, with arginine, which is basic and polar, at codon 384 of the CBL protein (p.Cys384Arg). In summary, the available evidence is currently insufficient to determine the role of this variant in disease. Therefore, it has been classified as a Variant of Uncertain Significance. Experimental studies have shown that this missense change affects CBL function (PMID: 20694012, 23696637). Advanced modeling of protein sequence and biophysical properties (such as structural, functional, and spatial information, amino acid conservation, physicochemical variation, residue mobility, and thermodynamic stability) performed at Invitae indicates that this missense variant is expected to disrupt CBL protein function. ClinVar contains an entry for this variant (Variation ID: 29822). This missense change has been observed in individual(s) with clinical features of Noonan-like syndrome with or without juvenile myelomonocytic leukemia (PMID: 19571318, 20694012). This variant is not present in population databases (gnomAD no frequency).

Blueprint Genetics
Classification: Likely pathogenic for CBL-related disorders. Last evaluated: 2019-04-29. Review status: criteria provided, single submitter. Criteria: ACMG Guidelines, 2015. Collection method: clinical testing. Allele origin: germline. Affected: yes. Observed: 3 variant alleles.

OMIM
Classification: Pathogenic for NOONAN SYNDROME-LIKE DISORDER WITH JUVENILE MYELOMONOCYTIC LEUKEMIA. Last evaluated: 2010-09-01. Review status: no assertion criteria provided. Collection method: literature only. Allele origin: germline. Not counted in ClinVar's aggregate classification.

Literature cited by the submitters: PubMed 20694012 (cited by Labcorp Genetics (formerly Invitae), Labcorp and OMIM); PubMed 23696637 (cited by Labcorp Genetics (formerly Invitae), Labcorp); PubMed 19571318 (cited by Labcorp Genetics (formerly Invitae), Labcorp).